The following is an entry in ClinVar:

ClinVar aggregate classification (germline): Uncertain significance (1 of 4 stars; one submission).

Conditions:
Intellectual developmental disorder, autosomal dominant 43. Also called: Intellectual disability, autosomal dominant 43. Identifiers: MedGen C4707429, MONDO:0014858, OMIM 616977.

Submission:

Centre for Mendelian Genomics, University Medical Centre Ljubljana
Classification: Uncertain significance for Intellectual developmental disorder, autosomal dominant 43. Last evaluated: 2020-01-08. Review status: criteria provided, single submitter. Criteria: ACMG Guidelines, 2015. Collection method: clinical testing. Allele origin: unknown. Affected: yes.
Comment: This variant was classified as: Uncertain significance. The available evidence on this variant's pathogenicity is insufficient or conflicting. The following ACMG criteria were applied in classifying this variant: PM2,PP3,BP1.

NM_006734.4(HIVEP2):c.601C>A (p.Pro201Thr)

Gene: HIVEP2 (HIVEP zinc finger 2; minus strand). Cytogenetic location: 6q24.2.
Variant type: single nucleotide variant.
Coding change: c.601C>A on transcript NM_006734.4 (MANE Select); coding-DNA position 601, C replaced by A.
Protein change: p.Pro201Thr; replaces proline 201 with threonine.
Molecular consequence: missense variant.
Genome position (GRCh38, 1-based): chr6:142,774,138, G>T on the plus strand (C>A on the coding strand, the complement: HIVEP2 is on the minus strand). VCF-style: chr6-142774138-G-T. GRCh37 (hg19) VCF-style: chr6-143095275-G-T.
Other names: short protein forms P201T.
Identifiers: ClinVar variation 931017 (VCV000931017.3), dbSNP rs1775628563, ClinGen allele CA365915697.